The following is an entry in ClinVar:

ClinVar aggregate classification (germline): Uncertain significance (1 of 4 stars; one submission).

Conditions:
Blepharophimosis - intellectual disability syndrome, SBBYS type (SBBYSS). Also called: Say-Barber-Biesecker-Young-Simpson variant of Ohdo Syndrome; Say-Barber-Biesecker Variant of Ohdo Syndrome; Ohdo syndrome, SBBYS variant; SBBYSS syndrome; Say-Barber-Biesecker-Young-Simpson syndrome; Young Simpson syndrome. Identifiers: Orphanet 3047, MedGen C1863557, MONDO:0011365, OMIM 603736.
Genitopatellar syndrome (GTPTS). Also called: ABSENT PATELLAE, SCROTAL HYPOPLASIA, RENAL ANOMALIES, FACIAL DYSMORPHISM, AND MENTAL RETARDATION; Genitopatellar syndrome (GPS). Identifiers: Orphanet 85201, MedGen C1853566, MONDO:0011640, OMIM 606170.

Submission:

Juno Genomics, Hangzhou Juno Genomics, Inc
Classification: Uncertain significance for Genitopatellar syndrome; Blepharophimosis - intellectual disability syndrome, SBBYS type. Review status: criteria provided, single submitter. Criteria: ACMG Guidelines, 2015. Collection method: clinical testing. Allele origin: germline. Affected: yes.
Comment: Absent from controls (or at extremely low frequency if recessive) in Genome Aggregation Database, Exome Sequencing Project, 1000 Genomes Project, or Exome Aggregation Consortium.;Null variant in a gene where loss of function (LOF) is a known mechanism of disease.

NM_012330.4(KAT6B):c.5703_5718del (p.Ala1902fs)

Gene: KAT6B (lysine acetyltransferase 6B; plus strand). Cytogenetic location: 10q22.2.
Variant type: Deletion.
Coding change: c.5703_5718del on transcript NM_012330.4 (MANE Select); coding-DNA positions 5703 to 5718, 16 bases deleted (TGCATCAAATATTGGC).
Protein change: p.Ala1902fs; shifts the reading frame from alanine 1902.
Molecular consequence: frameshift variant.
Genome position (GRCh38, 1-based): chr10:75,030,527-75,030,542, TGCATCAAATATTGGC deleted; deleting any 16 consecutive bases within chr10:75,030,523-75,030,542 gives the same sequence; the c. name uses the placement nearest the transcript's 3' end. VCF-style (leftmost placement, unchanged base first): chr10-75030522-ATGGCTGCATCAAATAT-A. GRCh37 (hg19) VCF-style: chr10-76790280-ATGGCTGCATCAAATAT-A.
Other names: c.5154_5169del, p.Ala1719fs (NM_001256468.2, NM_001370138.1); c.4827_4842del, p.Ala1610fs (NM_001256469.2, NM_001370139.1, NM_001370140.1 and 2 more transcripts); c.4665_4680del, p.Ala1556fs (NM_001370132.1); c.4014_4029del, p.Ala1339fs (NM_001370133.1); c.3618_3633del, p.Ala1207fs (NM_001370134.1); c.3360_3375del, p.Ala1121fs (NM_001370135.1); c.5703_5718del, p.Ala1902fs (NM_001370136.1, NM_001370137.1); c.4638_4653del, p.Ala1547fs (NM_001370143.1, NM_001370144.1); short protein forms A1121fs, A1207fs, A1339fs, A1547fs, A1556fs, A1610fs, A1719fs, A1902fs.
Identifiers: ClinVar variation 4796563 (VCV004796563.1).